The following is an entry in ClinVar:

ClinVar aggregate classification (germline): Uncertain significance (1 of 4 stars; one submission).

Allele frequency attached by ClinVar (database versions not stated): gnomAD 0.00001; TOPMed 0.00003.
gnomAD v4.1: 5 of 1,613,960 alleles (0.00031%); highest among the groups gnomAD compares: East Asian, 0.011%; no homozygotes.

Submission:

Women's Health and Genetics/Laboratory Corporation of America, LabCorp
Classification: Uncertain significance. Last evaluated: 2024-03-21. Review status: criteria provided, single submitter. Criteria: LabCorp Variant Classification Summary - May 2015. Collection method: clinical testing. Allele origin: germline.
Comment: Variant summary: COL4A4 c.4276C>G (p.Pro1426Ala) results in a non-conservative amino acid change in the encoded protein sequence. Five of five in-silico tools predict a damaging effect of the variant on protein function. The variant allele was found at a frequency of 8e-06 in 249474 control chromosomes (gnomAD). The available data on variant occurrences in the general population are insufficient to allow any conclusion about variant significance. c.4276C>G has been reported in the literature in an individual affected with hearing loss without strong evidence of causality (Guan_2021). This report does not provide unequivocal conclusions about association of the variant with Alport Syndrome, Autosomal Recessive. To our knowledge, no experimental evidence demonstrating an impact on protein function has been reported. The following publications have been ascertained in the context of this evaluation (PMID: 31279624, 34416374). No submitters have cited clinical-significance assessments for this variant to ClinVar. Based on the evidence outlined above, the variant was classified as uncertain significance.

Literature cited by the submitters: PubMed 34416374; PubMed 31279624.

NM_000092.5(COL4A4):c.4276C>G (p.Pro1426Ala)

Gene: COL4A4 (collagen type IV alpha 4 chain; minus strand). Cytogenetic location: 2q36.3.
Variant type: single nucleotide variant.
Coding change: c.4276C>G on transcript NM_000092.5 (MANE Select); coding-DNA position 4276, C replaced by G.
Protein change: p.Pro1426Ala; replaces proline 1426 with alanine.
Molecular consequence: missense variant.
Genome position (GRCh38, 1-based): chr2:227,012,238, G>C on the plus strand (C>G on the coding strand, the complement: COL4A4 is on the minus strand). VCF-style: chr2-227012238-G-C. GRCh37 (hg19) VCF-style: chr2-227876954-G-C.
Other names: short protein forms P1426A.
Identifiers: ClinVar variation 3233820 (VCV003233820.2), dbSNP rs1263044125, ClinGen allele CA350836493.
Genomic context (GRCh38, chr2:227,012,238, plus strand): 5'-TACCTGGTCCTCCAGGGTAGCCGTCTTCTCCTGTGTCACCTTTACGTCCGGGAGGCCCAG[G>C]AGACCCAGGGACGCCATCCACACCCCTCCTGCCATCCAGCCCAGGCTCTCCTTTGCACCC-3'
Protein context (NP_000083.3, residues 1416-1436): RRGVDGVPGS[Pro1426Ala]GPPGRKGDTG